The following is an entry in ClinVar:

NM_022725.4(FANCF):c.482C>G (p.Ser161Cys)

Gene: FANCF (FA complementation group F; minus strand). Cytogenetic location: 11p14.3.
Variant type: single nucleotide variant.
Coding change: c.482C>G on transcript NM_022725.4 (MANE Select); coding-DNA position 482, C replaced by G.
Protein change: p.Ser161Cys; replaces serine 161 with cysteine.
Molecular consequence: missense variant.
Genome position (GRCh38, 1-based): chr11:22,625,329, G>C on the plus strand (C>G on the coding strand, the complement: FANCF is on the minus strand). VCF-style: chr11-22625329-G-C. GRCh37 (hg19) VCF-style: chr11-22646875-G-C.
Other names: short protein forms S161C.
Identifiers: ClinVar variation 1914424 (VCV001914424.5), dbSNP rs1858627671, ClinGen allele CA380058955.

ClinVar aggregate classification (germline): Uncertain significance (1 of 4 stars; one submission).

Conditions:
Fanconi anemia (FA). Also called: Fanconi's anemia. Identifiers: Orphanet 84, MedGen C0015625, MeSH D005199, MONDO:0019391.

Submission:

Labcorp Genetics (formerly Invitae), Labcorp
Classification: Uncertain significance for Fanconi anemia. Last evaluated: 2022-10-05. Review status: criteria provided, single submitter. Criteria: Invitae Variant Classification Sherloc (09022015). Collection method: clinical testing. Allele origin: germline.
Comment: In summary, the available evidence is currently insufficient to determine the role of this variant in disease. Therefore, it has been classified as a Variant of Uncertain Significance. Advanced modeling of protein sequence and biophysical properties (such as structural, functional, and spatial information, amino acid conservation, physicochemical variation, residue mobility, and thermodynamic stability) has been performed at Invitae for this missense variant, however the output from this modeling did not meet the statistical confidence thresholds required to predict the impact of this variant on FANCF protein function. This variant has not been reported in the literature in individuals affected with FANCF-related conditions. This variant is not present in population databases (gnomAD no frequency). This sequence change replaces serine, which is neutral and polar, with cysteine, which is neutral and slightly polar, at codon 161 of the FANCF protein (p.Ser161Cys).